The following continues an entry in ClinVar:

NM_007194.4(CHEK2):c.1427C>T (p.Thr476Met)

Gene: CHEK2. ClinVar aggregate classification (germline): Conflicting classifications of pathogenicity. Pathogenic (1); Likely pathogenic (18); Established risk allele (2); Likely risk allele (1); Uncertain significance (26).

Submissions 52 to 62 of 62:

Medical Genetics Laboratory, Umraniye Training and Research Hospital, University of Health Sciences
Classification: Likely pathogenic for Breast carcinoma. Last evaluated: 2021-08-19. Review status: no assertion criteria provided. Collection method: clinical testing. Allele origin: germline. Affected: yes. Observed: 1 variant allele, 1 heterozygote. Not counted in ClinVar's aggregate classification.
Comment: Invasive Ductal Carcinoma Estrogen Receptor: Positive Progesterone Receptor: Positive HER2 Receptor: Negative

Medical Genetics Laboratory, Umraniye Training and Research Hospital, University of Health Sciences
Classification: Likely pathogenic for Colon cancer. Last evaluated: 2021-08-16. Review status: no assertion criteria provided. Collection method: clinical testing. Allele origin: germline. Affected: yes. Observed: 1 variant allele, 1 heterozygote. Not counted in ClinVar's aggregate classification.
Comment: Colon Carcinoma

Counsyl
Classification: Uncertain significance for Familial cancer of breast. Last evaluated: 2017-10-06. Review status: no assertion criteria provided. Collection method: clinical testing. Allele origin: unknown. Not counted in ClinVar's aggregate classification.

Clinical Genetics DNA and cytogenetics Diagnostics Lab, Erasmus MC, Erasmus Medical Center
Classification: Uncertain significance. Review status: no assertion criteria provided. Collection method: clinical testing. Allele origin: germline. Affected: yes. Study: VKGL Data-share Consensus. Not counted in ClinVar's aggregate classification.

Clinical Genetics Laboratory, Department of Pathology, Netherlands Cancer Institute
Classification: Uncertain significance. Review status: no assertion criteria provided. Collection method: clinical testing. Allele origin: germline. Affected: yes. Study: VKGL Data-share Consensus. Not counted in ClinVar's aggregate classification.

Department of Pathology and Laboratory Medicine, Sinai Health System
Classification: Uncertain significance for Malignant tumor of breast. Review status: no assertion criteria provided. Collection method: clinical testing. Allele origin: unknown. Affected: yes. Observed: 6 variant alleles. Study: The Canadian Open Genetics Repository (COGR). Not counted in ClinVar's aggregate classification.
Comment: The CHEK2 p.Thr476Met variant was identified in 5 of 3910 proband chromosomes (frequency: 0.001) from individuals or families with breast cancer and non-BRCA hereditary breast cancer cases of Bulgarian and French ethnicity, and was not identified in 3244 control chromosomes from healthy individuals (Angelova 2012, Desrichard 2011, Le Calvez-Kelm 2011). However among these studies, the frequencies were not consistent and ranged from 0.01 to 0.0004. An additional large study identified the variant in 67 of 91758 proband chromsomes (freq. 0.0007) from individuals who underwent panel testing that including CHEK2 (Leedom 2016 27751358). The variant was also identified in dbSNP (ID: rs142763740) as â€šÃ„Ãºwith likely pathogenic alleleâ€šÃ„Ã¹, in ClinVar and Clinvitae databases (as likely pathogenic by GeneDx, Ambry Genetics, Illumina clinical Services, Institute for Biomarker Research, Medical Diagnostic Laboratories, L.L.C, Quest Diagnostics Nichols Institute San Juan Capistrano as uncertain significance by Invitae, University of Washington Department of Laboratory Medicine and Genetic Services Laboratory, University of Chicago). The variant is further listed in the Zhejiang University database with no classification. The variant was not identified in Cosmic and MutDB databases. The same amino acid change but different nucleotide change (c.1427C>A) was observed in a patient with a clinical diagnosis of Li-Fraumeni syndrome (Sardi 2014). The variant is identified in the 1000 Genomes Project in 1 of 5000 chromosomes (frequency: 0.0002) and the NHLBI GO Exome Sequencing Project in 3 of 4698 European American alleles. In addition, the variant was identified in control databases in 84 of 260146 chromosomes at a frequency of 0.0003 (Genome Aggregation Database Feb 27, 2017). It was observed in the following populations: African in 6 of 22580 chromosomes (freq: 0.0003), â€šÃ„Ãºotherâ€šÃ„Ã¹ in 7 of 6276 chromosomes (freq: 0.001), Latino in 6 of 34216 chromosomes (freq: 0.0002), European Non-Finnish in 65 of 122014 chromosomes (freq: 0.0005); it was not observed in the Ashkenazi Jewish, East Asian, Finnish, and South Asian populations. In order to evaluate mutations in all parts of the CHEK2 gene with a single biological test, an assay to evaluate CHEK2-mediated response to DNA damage was developed based on complementation of S. cerevisiae rad53 by human CHEK2. Based on growth of the strain after DNA damage, the p.Thr476Met variant was found to be damaging (Roeb 2012). The p.Thr476Met variant, which maps to the kinase domain of CHEK2, is likely to disrupt the protein function (Angelova 2012). In one study, the p.Thr476Met variant did not display kinase activity consistently and was classified as probably deleterious (Desrichard 2011). However additional functional studies are needed to determine that the p.Thr476Met variant disrupts the biological function of CHEK2. The p.Thr476 residue is conserved in in mammals but not in more distantly related organisms and four out of five computational analyses (PolyPhen-2, SIFT, AlignGVGD, BLOSUM, MutationTaster) suggest that the p.Thr476Met variant may impact the protein; however, this information is not predictive enough to assume pathogenicity. The variant occurs outside of the splicing consensus sequence and in silico or computational prediction software programs (SpliceSiteFinder, MaxEntScan, NNSPLICE, GeneSplicer, HumanSpliceFinder) do not predict a difference in splicing. In summary, based on the above information the clinical significance of this variant cannot be determined with certainty at this time. This variant is classified as a variant of uncertain significance.

Diagnostic Laboratory, Department of Genetics, University Medical Center Groningen
Classification: Uncertain significance. Review status: no assertion criteria provided. Collection method: clinical testing. Allele origin: germline. Affected: yes. Study: VKGL Data-share Consensus. Not counted in ClinVar's aggregate classification.

Genome Diagnostics Laboratory, Amsterdam University Medical Center
Classification: Uncertain significance. Review status: no assertion criteria provided. Collection method: clinical testing. Allele origin: germline. Affected: yes. Study: VKGL Data-share Consensus. Not counted in ClinVar's aggregate classification.

Joint Genome Diagnostic Labs from Nijmegen and Maastricht, Radboudumc and MUMC+
Classification: Uncertain significance. Review status: no assertion criteria provided. Collection method: clinical testing. Allele origin: germline. Affected: yes. Study: VKGL Data-share Consensus. Not counted in ClinVar's aggregate classification.

Laboratory of Diagnostic Genome Analysis, Leiden University Medical Center (LUMC)
Classification: Uncertain significance. Review status: no assertion criteria provided. Collection method: clinical testing. Allele origin: germline. Affected: yes. Study: VKGL Data-share Consensus. Not counted in ClinVar's aggregate classification.

Myriad Genetics, Inc.
Classification: Likely benign for Familial cancer of breast. Last evaluated: 2024-10-10. Review status: flagged submission. Criteria: Myriad Autosomal Dominant, Autosomal Recessive and X-Linked Classification Criteria (2023). Collection method: clinical testing. Allele origin: unknown. Not counted in ClinVar's aggregate classification.
Comment: This variant is considered likely benign based on an internal history weighting algorithm that has been validated and shown to have greater than 99.5% positive and negative predictive values [PMID: 25085752]. The algorithm shows this variant is not strongly associated with more severe personal and family histories of cancer which would be expected if this variant were disease causing. Curve available upon request.
ClinVar note: Reason: Outlier claim with insufficient supporting evidence

Literature cited by the submitters: PubMed 22419737 (cited by 12 submitters); PubMed 21244692 (cited by 10 submitters); PubMed 26483394 (cited by 5 submitters); PubMed 26681312 (cited by 5 submitters); PubMed 26787654 (cited by Women's Health and Genetics/Laboratory Corporation of America, LabCorp); PubMed 26845104 (cited by 5 submitters); PubMed 15095295 (cited by Women's Health and Genetics/Laboratory Corporation of America, LabCorp and Color Diagnostics, LLC DBA Color Health); PubMed 27443514 (cited by 5 submitters); PubMed 22862163 (cited by 7 submitters); PubMed 22114986 (cited by 11 submitters); PubMed 27621404 (cited by Women's Health and Genetics/Laboratory Corporation of America, LabCorp and Ambry Genetics); PubMed 28135145 (cited by 4 submitters); PubMed 28008555 (cited by 4 submitters); PubMed 27751358 (cited by 4 submitters); PubMed 28495237 (cited by 6 submitters); PubMed 28944238 (cited by 6 submitters); PubMed 29922827 (cited by 3 submitters); PubMed 29945567 (cited by 4 submitters); PubMed 29368341 (cited by 6 submitters); PubMed 30128536 (cited by Women's Health and Genetics/Laboratory Corporation of America, LabCorp); PubMed 30680046 (cited by Women's Health and Genetics/Laboratory Corporation of America, LabCorp); PubMed 30851065 (cited by 9 submitters); PubMed 30426508 (cited by 6 submitters); PubMed 31263571 (cited by Women's Health and Genetics/Laboratory Corporation of America, LabCorp and Quest Diagnostics Nichols Institute San Juan Capistrano); PubMed 31398194 (cited by Women's Health and Genetics/Laboratory Corporation of America, LabCorp); PubMed 31341520 (cited by Women's Health and Genetics/Laboratory Corporation of America, LabCorp and Quest Diagnostics Nichols Institute San Juan Capistrano); PubMed 31784482 (cited by 3 submitters); PubMed 35643632 (cited by Women's Health and Genetics/Laboratory Corporation of America, LabCorp and Quest Diagnostics Nichols Institute San Juan Capistrano).